The following is an entry in ClinVar:

NM_004553.6(NDUFS6):c.309+1G>T

Gene: NDUFS6 (NADH:ubiquinone oxidoreductase subunit S6; plus strand). Cytogenetic location: 5p15.33.
Variant type: single nucleotide variant.
Coding change: c.309+1G>T on transcript NM_004553.6 (MANE Select); the canonical splice donor site of the intron after coding-DNA position 309, G replaced by T.
Molecular consequence: splice donor variant.
Genome position (GRCh38, 1-based): chr5:1,814,462, G>T. VCF-style: chr5-1814462-G-T. GRCh37 (hg19) VCF-style: chr5-1814576-G-T.
Identifiers: ClinVar variation 2677004 (VCV002677004.4), dbSNP rs1169689300, ClinGen allele CA359089246.

ClinVar aggregate classification (germline): Pathogenic/Likely pathogenic. Review status: criteria provided, multiple submitters, no conflicts (2 of 4 stars). 2 submissions from 2 submitters: Pathogenic (1); Likely pathogenic (1). Last evaluated 2023-05-02.

Conditions:
Mitochondrial complex I deficiency, nuclear type 9. Also called: Mitochondrial complex 1 deficiency, nuclear type 9. Identifiers: MedGen C4748767, MONDO:0032615, OMIM 618232.

gnomAD v4.1: 1 of 1,614,050 alleles (0.000062%); highest among the groups gnomAD compares: African/African-American, 0.0013%; no homozygotes.

Submissions (2):

Baylor Genetics
Classification: Likely pathogenic for Mitochondrial complex I deficiency, nuclear type 9. Last evaluated: 2023-05-02. Review status: criteria provided, single submitter. Criteria: ACMG Guidelines, 2015. Collection method: clinical testing. Allele origin: unknown.

Labcorp Genetics (formerly Invitae), Labcorp
Classification: Pathogenic. Last evaluated: 2023-01-17. Review status: criteria provided, single submitter. Criteria: Invitae Variant Classification Sherloc (09022015). Collection method: clinical testing. Allele origin: germline.
Comment: For these reasons, this variant has been classified as Pathogenic. This variant disrupts a region of the NDUFS6 protein in which other variant(s) (p.Cys115Arg) have been determined to be pathogenic (PMID: 28429146, 30948790, 31967322). This suggests that this is a clinically significant region of the protein, and that variants that disrupt it are likely to be disease-causing. Variants that disrupt the consensus splice site are a relatively common cause of aberrant splicing (PMID: 17576681, 9536098). Algorithms developed to predict the effect of sequence changes on RNA splicing suggest that this variant may disrupt the consensus splice site. This variant has not been reported in the literature in individuals affected with NDUFS6-related conditions. This variant is not present in population databases (gnomAD no frequency). This sequence change affects a donor splice site in intron 3 of the NDUFS6 gene. While this variant is not anticipated to result in nonsense mediated decay, it likely alters RNA splicing and results in a disrupted protein product.

Literature cited by the submitters: PubMed 28429146 (cited by Labcorp Genetics (formerly Invitae), Labcorp); PubMed 30948790 (cited by Labcorp Genetics (formerly Invitae), Labcorp); PubMed 31967322 (cited by Labcorp Genetics (formerly Invitae), Labcorp); PubMed 17576681 (cited by Labcorp Genetics (formerly Invitae), Labcorp); PubMed 9536098 (cited by Labcorp Genetics (formerly Invitae), Labcorp).